The following is an entry in ClinVar:

ClinVar aggregate classification (germline): Uncertain significance (1 of 4 stars; one submission).

Conditions:
Myofibrillar myopathy 5. Also called: Filaminopathy (type); FILAMINOPATHY, AUTOSOMAL DOMINANT. Identifiers: Orphanet 171445, MedGen C1836050, MONDO:0012289, OMIM 609524.
Hypertrophic cardiomyopathy 26. Also called: Cardiomyopathy, familial hypertrophic, 26. Identifiers: Orphanet 75249, MedGen C4310749, MONDO:0014883, OMIM 617047.
Distal myopathy with posterior leg and anterior hand involvement. Also called: WILLIAMS DISTAL MYOPATHY. Identifiers: Orphanet 63273, MedGen C3279722, MONDO:0013550, OMIM 614065.

Allele frequency attached by ClinVar (database versions not stated): gnomAD 0.00001; TOPMed 0.00001.
gnomAD v4.1: 2 of 1,613,068 alleles (0.00012%); highest among the groups gnomAD compares: African/African-American, 0.0013%; no homozygotes.

Submission:

Labcorp Genetics (formerly Invitae), Labcorp
Classification: Uncertain significance for Distal myopathy with posterior leg and anterior hand involvement; Myofibrillar myopathy 5; Hypertrophic cardiomyopathy 26. Last evaluated: 2022-02-10. Review status: criteria provided, single submitter. Criteria: Invitae Variant Classification Sherloc (09022015). Collection method: clinical testing. Allele origin: germline.
Comment: In summary, the available evidence is currently insufficient to determine the role of this variant in disease. Therefore, it has been classified as a Variant of Uncertain Significance. This variant has not been reported in the literature in individuals affected with FLNC-related conditions. Algorithms developed to predict the effect of missense changes on protein structure and function (SIFT, PolyPhen-2, Align-GVGD) all suggest that this variant is likely to be tolerated. ClinVar contains an entry for this variant (Variation ID: 839776). This variant is not present in population databases (gnomAD no frequency). This sequence change replaces proline, which is neutral and non-polar, with glutamine, which is neutral and polar, at codon 88 of the FLNC protein (p.Pro88Gln).

NM_001458.5(FLNC):c.263C>A (p.Pro88Gln)

Gene: FLNC (filamin C; plus strand). Cytogenetic location: 7q32.1.
Variant type: single nucleotide variant.
Coding change: c.263C>A on transcript NM_001458.5 (MANE Select); coding-DNA position 263, C replaced by A.
Protein change: p.Pro88Gln; replaces proline 88 with glutamine.
Molecular consequence: missense variant.
Genome position (GRCh38, 1-based): chr7:128,830,900, C>A. VCF-style: chr7-128830900-C-A. GRCh37 (hg19) VCF-style: chr7-128470954-C-A.
Other names: c.263C>A, p.Pro88Gln (NM_001127487.2); short protein forms P88Q.
Identifiers: ClinVar variation 839776 (VCV000839776.12), dbSNP rs1807860720, ClinGen allele CA369216696.
Genomic context (GRCh38, chr7:128,830,900, plus strand): 5'-TCCGGCTCATCGCGCTGCTCGAGGTGCTCAGCCAGAAGCGCATGTACCGCAAGTTCCATC[C>A]GCGCCCCAACTTCCGCCAAATGAAGCTGGAGAACGTGTCCGTGGCCCTCGAGTTCCTCGA-3'
Protein context (NP_001449.3, residues 78-98): SQKRMYRKFH[Pro88Gln]RPNFRQMKLE